The following is an entry in ClinVar:

NM_001165963.4(SCN1A):c.4243T>G (p.Phe1415Val)

Genes: SCN1A (sodium voltage-gated channel alpha subunit 1; minus strand), LOC102724058 (uncharacterized LOC102724058; plus strand). Cytogenetic location: 2q24.3.
Variant type: single nucleotide variant.
Coding change: c.4243T>G on transcript NM_001165963.4 (MANE Select); coding-DNA position 4243, T replaced by G.
Protein change: p.Phe1415Val; replaces phenylalanine 1415 with valine.
Molecular consequence: missense variant. On other transcripts: non-coding transcript variant (1).
Genome position (GRCh38, 1-based): chr2:166,002,513, A>C on the plus strand (T>G on the coding strand, the complement: SCN1A is on the minus strand). VCF-style: chr2-166002513-A-C. GRCh37 (hg19) VCF-style: chr2-166859023-A-C.
Other names: c.4207T>G, p.Phe1403Val (NM_001353954.2, NM_001353955.2); c.4159T>G, p.Phe1387Val (NM_001353957.2, NM_001353958.2, NM_001165964.3); c.4210T>G, p.Phe1404Val (NM_001353950.2, NM_001353951.2, NM_001353952.2 and 2 more transcripts); c.4243T>G, p.Phe1415Val (NM_001202435.3, NM_001353948.2); c.4156T>G, p.Phe1386Val (NM_001353960.2); c.1801T>G, p.Phe601Val (NM_001353961.2); short protein forms F1386V, F1387V, F1403V, F1404V, F1415V, F601V.
Identifiers: ClinVar variation 4533267 (VCV004533267.1).

ClinVar aggregate classification (germline): Likely pathogenic (1 of 4 stars; one submission).

Conditions:
Severe myoclonic epilepsy in infancy (DRVT). Also called: Epileptic encephalopathy, early infantile, 6 (Dravet syndrome); SEVERE MYOCLONIC EPILEPSY OF INFANCY; DEVELOPMENTAL AND EPILEPTIC ENCEPHALOPATHY 6A; Severe Myoclonic Epilepsy in Infancy (SMEI); Dravet syndrome. Identifiers: Orphanet 33069, MedGen C0751122, MONDO:0100135, OMIM 607208.

Submission:

Diagnostics Services (NGS), CSIR - Centre For Cellular And Molecular Biology
Classification: Likely pathogenic for Severe myoclonic epilepsy in infancy. Last evaluated: 2025-11-07. Review status: criteria provided, single submitter. Criteria: ACMG Guidelines, 2015. Collection method: clinical testing. Allele origin: germline. Affected: yes. Observed: 1 variant allele, 1 heterozygote.
Comment: The c.4243T>G variant is not present in publicly available population databases like 1000 Genomes, EVS, gnomAD, Indian Exome Database or our internal database. This variant has neither been published in the literature for SCN1A-related conditions nor reported to clinical databases like Human Genome Mutation database (HGMD), OMIM, or ClinVar, in any affected individuals. In-silico pathogenicity prediction programs like SIFT, Polyphen-2, MutationTaster2021, CADD, Franklin, Varsome etc predicted this variant to be likely deleterious however these predictions were not confirmed by published functional studies. This variant is present in a mutational hotspot region of the gene and different amino acid changes in the same codon (Phe1415Leu, Phe1415Ser, Phe1415Ile) has been previously observed in affected individual(s) with functional studies [PMID: 23773995] and reported to the clinical databases.This variant has been classified as Likely Pathogenic following the PM1, PM2, PM5, PP3 criteria of ACMG guidelines.

Literature cited by the submitters: PubMed 23773995.